The following is an entry in ClinVar:

NM_002692.4(POLE2):c.139A>G (p.Lys47Glu)

Gene: POLE2 (DNA polymerase epsilon 2, accessory subunit; minus strand). Cytogenetic location: 14q21.3.
Variant type: single nucleotide variant.
Coding change: c.139A>G on transcript NM_002692.4 (MANE Select); coding-DNA position 139, A replaced by G.
Protein change: p.Lys47Glu; replaces lysine 47 with glutamic acid.
Molecular consequence: missense variant. On other transcripts: 5 prime UTR variant (1).
Genome position (GRCh38, 1-based): chr14:49,683,623, T>C on the plus strand (A>G on the coding strand, the complement: POLE2 is on the minus strand). VCF-style: chr14-49683623-T-C. GRCh37 (hg19) VCF-style: chr14-50150341-T-C.
Other names: c.139A>G, p.Lys47Glu (NM_001197330.2, NM_001197331.3, NM_001348384.2); c.-97A>G (NM_001348385.2); short protein forms K47E.
Identifiers: ClinVar variation 4736256 (VCV004736256.1).

ClinVar aggregate classification (germline): Uncertain significance (1 of 4 stars; one submission).

Submission:

Labcorp Genetics (formerly Invitae), Labcorp
Classification: Uncertain significance. Last evaluated: 2026-01-26. Review status: criteria provided, single submitter. Criteria: Invitae Variant Classification Sherloc (09022015). Collection method: clinical testing. Allele origin: germline.
Comment: This sequence change replaces lysine, which is basic and polar, with glutamic acid, which is acidic and polar, at codon 47 of the POLE2 protein (p.Lys47Glu). This variant is not present in population databases (gnomAD no frequency). This variant has not been reported in the literature in individuals affected with POLE2-related conditions. An algorithm developed to predict the effect of missense changes on protein structure and function (PolyPhen-2) suggests that this variant is likely to be tolerated. In summary, the available evidence is currently insufficient to determine the role of this variant in disease. Therefore, it has been classified as a Variant of Uncertain Significance.